The following is an entry in ClinVar:

ClinVar aggregate classification (germline): Uncertain significance. Review status: criteria provided, multiple submitters, no conflicts (2 of 4 stars). 2 submissions from 2 submitters: Uncertain significance (2). Last evaluated 2026-08-12.

Conditions:
Inborn genetic diseases. Identifiers: MedGen C0950123, MeSH D030342.

Allele frequency attached by ClinVar (database versions not stated): TOPMed 0.00001.

Submissions (2):

Ambry Genetics
Classification: Uncertain significance for Inborn genetic diseases. Last evaluated: 2026-08-12. Review status: criteria provided, single submitter. Criteria: Ambry Variant Classification Scheme 2023. Collection method: clinical testing. Allele origin: germline.
Comment: The c.2945G>A (p.R982H) alteration is located in exon 24 (coding exon 24) of the DOCK6 gene. This alteration results from a G to A substitution at nucleotide position 2945, causing the arginine (R) at amino acid position 982 to be replaced by a histidine (H). Based on data from gnomAD, the A allele has an overall frequency of <0.001% (1/248642) total alleles studied. The highest observed frequency was 0.006% (1/17972) of East Asian alleles. Based on insufficient or conflicting evidence, the clinical significance of this alteration remains unclear.

Labcorp Genetics (formerly Invitae), Labcorp
Classification: Uncertain significance. Last evaluated: 2025-03-11. Review status: criteria provided, single submitter. Criteria: Invitae Variant Classification Sherloc (09022015). Collection method: clinical testing. Allele origin: germline.
Comment: This sequence change replaces arginine, which is basic and polar, with histidine, which is basic and polar, at codon 982 of the DOCK6 protein (p.Arg982His). This variant is not present in population databases (gnomAD no frequency). This variant has not been reported in the literature in individuals affected with DOCK6-related conditions. ClinVar contains an entry for this variant (Variation ID: 1906764). Invitae Evidence Modeling of protein sequence and biophysical properties (such as structural, functional, and spatial information, amino acid conservation, physicochemical variation, residue mobility, and thermodynamic stability) has been performed for this missense variant. However, the output from this modeling did not meet the statistical confidence thresholds required to predict the impact of this variant on DOCK6 protein function. In summary, the available evidence is currently insufficient to determine the role of this variant in disease. Therefore, it has been classified as a Variant of Uncertain Significance.

NM_020812.4(DOCK6):c.2945G>A (p.Arg982His)

Gene: DOCK6 (dedicator of cytokinesis 6; minus strand). Cytogenetic location: 19p13.2.
Variant type: single nucleotide variant.
Coding change: c.2945G>A on transcript NM_020812.4 (MANE Select); coding-DNA position 2945, G replaced by A.
Protein change: p.Arg982His; replaces arginine 982 with histidine.
Molecular consequence: missense variant.
Genome position (GRCh38, 1-based): chr19:11,227,347, C>T on the plus strand (G>A on the coding strand, the complement: DOCK6 is on the minus strand). VCF-style: chr19-11227347-C-T. GRCh37 (hg19) VCF-style: chr19-11338023-C-T.
Other names: c.3050G>A, p.Arg1017His (NM_001367830.1); c.2945G>A (NM_020812.2); short protein forms R1017H, R982H.
Identifiers: ClinVar variation 1906764 (VCV001906764.6), dbSNP rs763945931, ClinGen allele CA9207434.